The following is an entry in ClinVar:

NM_000051.4(ATM):c.3055C>G (p.Leu1019Val)

Gene: ATM (ATM serine/threonine kinase; plus strand). Cytogenetic location: 11q22.3.
Variant type: single nucleotide variant.
Coding change: c.3055C>G on transcript NM_000051.4 (MANE Select); coding-DNA position 3055, C replaced by G.
Protein change: p.Leu1019Val; replaces leucine 1019 with valine.
Molecular consequence: missense variant.
Genome position (GRCh38, 1-based): chr11:108,271,384, C>G. VCF-style: chr11-108271384-C-G. GRCh37 (hg19) VCF-style: chr11-108142111-C-G.
Other names: c.3055C>G, p.Leu1019Val (NM_001351834.2); short protein forms L1019V.
Identifiers: ClinVar variation 216199 (VCV000216199.30), dbSNP rs863224560, ClinGen allele CA339549.

ClinVar aggregate classification (germline): Uncertain significance. Review status: criteria provided, multiple submitters, no conflicts (2 of 4 stars). 7 submissions from 7 submitters: Uncertain significance (6). 1 of the submissions does not count toward it. Last evaluated 2026-01-19.

Conditions:
Hereditary cancer-predisposing syndrome. Also called: Tumor predisposition; Hereditary Cancer Syndrome; Neoplastic Syndromes, Hereditary; Hereditary neoplastic syndrome. Identifiers: Orphanet 140162, MedGen C0027672, MeSH D009386, MONDO:0015356.
Ataxia-telangiectasia syndrome (AT). Also called: Cerebello-oculocutaneous telangiectasia; Immunodeficiency with ataxia telangiectasia; Ataxia telangiectasia (A-T); LOUIS-BAR SYNDROME; ATAXIA-TELANGIECTASIA, COMPLEMENTATION GROUP A; ATAXIA-TELANGIECTASIA, FRESNO VARIANT. Identifiers: Orphanet 100, MedGen C0004135, MONDO:0008840, OMIM 208900.
Familial cancer of breast. Also called: Hereditary breast cancer; BREAST CANCER, FAMILIAL; hereditary breast carcinoma. Identifiers: Orphanet 227535, MedGen C0346153, MONDO:0016419, OMIM 114480. Disease mechanism: loss of function.

Allele frequency attached by ClinVar (database versions not stated): gnomAD exomes below 0.00001; TOPMed below 0.00001.
gnomAD v4.1: 1 of 1,614,060 alleles (0.000062%); highest among the groups gnomAD compares: African/African-American, 0.0013%; no homozygotes.

Submissions (7):

Labcorp Genetics (formerly Invitae), Labcorp
Classification: Uncertain significance for Ataxia-telangiectasia syndrome. Last evaluated: 2026-01-19. Review status: criteria provided, single submitter. Criteria: Invitae Variant Classification Sherloc (09022015). Collection method: clinical testing. Allele origin: germline.
Comment: This sequence change replaces leucine, which is neutral and non-polar, with valine, which is neutral and non-polar, at codon 1019 of the ATM protein (p.Leu1019Val). This variant is not present in population databases (gnomAD no frequency). This variant has not been reported in the literature in individuals affected with ATM-related conditions. ClinVar contains an entry for this variant (Variation ID: 216199). Invitae Evidence Modeling of protein sequence and biophysical properties (such as structural, functional, and spatial information, amino acid conservation, physicochemical variation, residue mobility, and thermodynamic stability) indicates that this missense variant is not expected to disrupt ATM protein function with a negative predictive value of 95%. In summary, the available evidence is currently insufficient to determine the role of this variant in disease. Therefore, it has been classified as a Variant of Uncertain Significance.

Ambry Genetics
Classification: Uncertain significance for Hereditary cancer-predisposing syndrome. Last evaluated: 2025-09-29. Review status: criteria provided, single submitter. Criteria: Ambry Variant Classification Scheme 2023. Collection method: clinical testing. Allele origin: germline.
Comment: The p.L1019V variant (also known as c.3055C>G), located in coding exon 19 of the ATM gene, results from a C to G substitution at nucleotide position 3055. The leucine at codon 1019 is replaced by valine, an amino acid with highly similar properties. This amino acid position is highly conserved in available vertebrate species. In addition, the in silico prediction for this alteration is inconclusive. Based on the available evidence, the clinical significance of this variant remains unclear.

Color Diagnostics, LLC DBA Color Health
Classification: Uncertain significance for Hereditary cancer-predisposing syndrome. Last evaluated: 2025-03-17. Review status: criteria provided, single submitter. Criteria: ACMG Guidelines, 2015. Collection method: clinical testing. Allele origin: germline.
Comment: This missense variant replaces leucine with valine at codon 1019 of the ATM protein. Computational prediction tools and conservation analyses are inconclusive regarding the impact of this variant on the protein function. To our knowledge, functional assays have not been performed for this variant nor has this variant been reported in individuals affected with hereditary cancer in the literature. This variant has not been identified in the general population by the Genome Aggregation Database (gnomAD). Available evidence is insufficient to determine the role of this variant in disease conclusively. Therefore, this variant is classified as a Variant of Uncertain Significance.

Quest Diagnostics Nichols Institute San Juan Capistrano
Classification: Uncertain significance. Last evaluated: 2024-06-18. Review status: criteria provided, single submitter. Criteria: Quest Diagnostics criteria. Collection method: clinical testing. Allele origin: unknown.

Baylor Genetics
Classification: Uncertain significance for Familial cancer of breast. Last evaluated: 2024-03-19. Review status: criteria provided, single submitter. Criteria: ACMG Guidelines, 2015. Collection method: clinical testing. Allele origin: unknown.

GeneDx
Classification: Uncertain significance. Last evaluated: 2023-12-14. Review status: criteria provided, single submitter. Criteria: GeneDx Variant Classification Process June 2021. Collection method: clinical testing. Allele origin: germline. Affected: yes.
Comment: Not observed at significant frequency in large population cohorts (gnomAD); In silico analysis supports that this missense variant does not alter protein structure/function; Has not been previously published as pathogenic or benign to our knowledge; This variant is associated with the following publications: (PMID: 26238431, 19781682)

Natera, Inc.
Classification: Uncertain significance for Ataxia-telangiectasia. Last evaluated: 2020-02-28. Review status: no assertion criteria provided. Collection method: clinical testing. Allele origin: germline. Not counted in ClinVar's aggregate classification.